The following is an entry in ClinVar:

NM_006734.4(HIVEP2):c.4282A>G (p.Thr1428Ala)

Gene: HIVEP2 (HIVEP zinc finger 2; minus strand). Cytogenetic location: 6q24.2.
Variant type: single nucleotide variant.
Coding change: c.4282A>G on transcript NM_006734.4 (MANE Select); coding-DNA position 4282, A replaced by G.
Protein change: p.Thr1428Ala; replaces threonine 1428 with alanine.
Molecular consequence: missense variant.
Genome position (GRCh38, 1-based): chr6:142,770,457, T>C on the plus strand (A>G on the coding strand, the complement: HIVEP2 is on the minus strand). VCF-style: chr6-142770457-T-C. GRCh37 (hg19) VCF-style: chr6-143091594-T-C.
Other names: c.4282A>G, p.Thr1428Ala (NM_001438449.1, NM_001438450.1, NM_001438451.1); short protein forms T1428A.
Identifiers: ClinVar variation 4737442 (VCV004737442.1).

ClinVar aggregate classification (germline): Uncertain significance (1 of 4 stars; one submission).

Submission:

Labcorp Genetics (formerly Invitae), Labcorp
Classification: Uncertain significance. Last evaluated: 2026-01-09. Review status: criteria provided, single submitter. Criteria: Invitae Variant Classification Sherloc (09022015). Collection method: clinical testing. Allele origin: germline.
Comment: This sequence change replaces threonine, which is neutral and polar, with alanine, which is neutral and non-polar, at codon 1428 of the HIVEP2 protein (p.Thr1428Ala). This variant is not present in population databases (gnomAD no frequency). This variant has not been reported in the literature in individuals affected with HIVEP2-related conditions. Invitae Evidence Modeling of protein sequence and biophysical properties (such as structural, functional, and spatial information, amino acid conservation, physicochemical variation, residue mobility, and thermodynamic stability) indicates that this missense variant is not expected to disrupt HIVEP2 protein function with a negative predictive value of 80%. In summary, the available evidence is currently insufficient to determine the role of this variant in disease. Therefore, it has been classified as a Variant of Uncertain Significance.